The following is an entry in ClinVar:

NM_001184.4(ATR):c.4285G>A (p.Asp1429Asn)

Gene: ATR (ATR checkpoint kinase; minus strand). Cytogenetic location: 3q23.
Variant type: single nucleotide variant.
Coding change: c.4285G>A on transcript NM_001184.4 (MANE Select); coding-DNA position 4285, G replaced by A.
Protein change: p.Asp1429Asn; replaces aspartic acid 1429 with asparagine.
Molecular consequence: missense variant.
Genome position (GRCh38, 1-based): chr3:142,519,766, C>T on the plus strand (G>A on the coding strand, the complement: ATR is on the minus strand). VCF-style: chr3-142519766-C-T. GRCh37 (hg19) VCF-style: chr3-142238608-C-T.
Other names: c.4093G>A, p.Asp1365Asn (NM_001354579.2); short protein forms D1365N, D1429N.
Identifiers: ClinVar variation 1739376 (VCV001739376.2), dbSNP rs1446285422, ClinGen allele CA354800391.

ClinVar aggregate classification (germline): Uncertain significance (1 of 4 stars; one submission).

Conditions:
Inborn genetic diseases. Identifiers: MedGen C0950123, MeSH D030342.

Allele frequency attached by ClinVar (database versions not stated): gnomAD exomes below 0.00001.
gnomAD v4.1: 1 of 1,612,576 alleles (0.000062%); highest among the groups gnomAD compares: Admixed American, 0.0017%; no homozygotes.

Submission:

Ambry Genetics
Classification: Uncertain significance for Inborn genetic diseases. Last evaluated: 2022-04-29. Review status: criteria provided, single submitter. Criteria: Ambry Variant Classification Scheme 2023. Collection method: clinical testing. Allele origin: germline.
Comment: The p.D1429N variant (also known as c.4285G>A), located in coding exon 24 of the ATR gene, results from a G to A substitution at nucleotide position 4285. The aspartic acid at codon 1429 is replaced by asparagine, an amino acid with highly similar properties. This amino acid position is conserved. In addition, this alteration is predicted to be tolerated by in silico analysis. Since supporting evidence is limited at this time, the clinical significance of this alteration remains unclear.